The following is an entry in ClinVar:

NM_001267550.2(TTN):c.55205T>G (p.Ile18402Ser)

Genes: TTN (titin; minus strand), TTN-AS1 (TTN antisense RNA 1; plus strand). Cytogenetic location: 2q31.2.
Variant type: single nucleotide variant.
Coding change: c.55205T>G on transcript NM_001267550.2 (MANE Select); coding-DNA position 55205, T replaced by G.
Protein change: p.Ile18402Ser; replaces isoleucine 18402 with serine.
Molecular consequence: missense variant.
Genome position (GRCh38, 1-based): chr2:178,602,066, A>C on the plus strand (T>G on the coding strand, the complement: TTN is on the minus strand). VCF-style: chr2-178602066-A-C. GRCh37 (hg19) VCF-style: chr2-179466793-A-C.
Other names: c.50282T>G, p.Ile16761Ser (NM_001256850.1); c.28010T>G, p.Ile9337Ser (NM_003319.4); c.47501T>G, p.Ile15834Ser (NM_133378.4); c.28385T>G, p.Ile9462Ser (NM_133432.3); c.28586T>G, p.Ile9529Ser (NM_133437.4); short protein forms I16761S, I18402S, I9529S, I9462S, I15834S, I9337S.
Identifiers: ClinVar variation 452618 (VCV000452618.14), dbSNP rs776899398, ClinGen allele CA1993520.

ClinVar aggregate classification (germline): Conflicting classifications of pathogenicity. Review status: criteria provided, conflicting classifications (1 of 4 stars). 4 submissions from 4 submitters: Uncertain significance (2); Likely benign (2). Last evaluated 2022-05-12.

Conditions:
Cardiovascular phenotype. Identifiers: MedGen CN230736.
Dilated cardiomyopathy 1G (CMD1G). Identifiers: Orphanet 154, MedGen C1858763, MONDO:0011400, OMIM 604145.
Autosomal recessive limb-girdle muscular dystrophy type 2J (LGMDR10). Also called: Limb-girdle muscular dystrophy, type 2J; MUSCULAR DYSTROPHY, LIMB-GIRDLE, AUTOSOMAL RECESSIVE 10. Identifiers: Orphanet 140922, MedGen C1837342, MONDO:0012127, OMIM 608807.

Allele frequency attached by ClinVar (database versions not stated): ExAC 0.00001; TOPMed 0.00016; gnomAD 0.00017 and 0.00018.
gnomAD v4.1: 50 of 1,612,634 alleles (0.0031%); highest among the groups gnomAD compares: Admixed American, 0.053%; no homozygotes.

Submissions (4):

Labcorp Genetics (formerly Invitae), Labcorp
Classification: Uncertain significance for Dilated cardiomyopathy 1G; Autosomal recessive limb-girdle muscular dystrophy type 2J. Last evaluated: 2022-05-12. Review status: criteria provided, single submitter. Criteria: Invitae Variant Classification Sherloc (09022015). Collection method: clinical testing. Allele origin: germline.
Comment: This sequence change replaces isoleucine, which is neutral and non-polar, with serine, which is neutral and polar, at codon 18402 of the TTN protein (p.Ile18402Ser). This variant is present in population databases (rs776899398, gnomAD 0.03%). This variant has not been reported in the literature in individuals affected with TTN-related conditions. ClinVar contains an entry for this variant (Variation ID: 452618). Experimental studies and prediction algorithms are not available or were not evaluated, and the functional significance of this variant is currently unknown. Algorithms developed to predict the effect of sequence changes on RNA splicing suggest that this variant may create or strengthen a splice site. This variant is located in the A band of TTN (PMID: 25589632). Variants in this region may be relevant for cardiac or neuromuscular disorders (PMID: 25589632, 23975875). In summary, the available evidence is currently insufficient to determine the role of this variant in disease. Therefore, it has been classified as a Variant of Uncertain Significance.

Revvity Omics, Revvity
Classification: Uncertain significance. Last evaluated: 2020-10-20. Review status: criteria provided, single submitter. Criteria: ACMG Guidelines, 2015. Collection method: clinical testing. Allele origin: germline.

GeneDx
Classification: Likely benign. Last evaluated: 2020-04-07. Review status: criteria provided, single submitter. Criteria: GeneDx Variant Classification Process June 2021. Collection method: clinical testing. Allele origin: germline. Affected: yes.
Comment: This variant is associated with the following publications: (PMID: 27930701)

Ambry Genetics
Classification: Likely benign for Cardiovascular phenotype. Last evaluated: 2020-03-24. Review status: criteria provided, single submitter. Criteria: Ambry Variant Classification Scheme 2023. Collection method: clinical testing. Allele origin: germline.

Literature cited by the submitters: PubMed 25589632 (cited by Labcorp Genetics (formerly Invitae), Labcorp); PubMed 23975875 (cited by Labcorp Genetics (formerly Invitae), Labcorp).